The following is an entry in ClinVar:

ClinVar aggregate classification (germline): Pathogenic (1 of 4 stars; one submission).

Conditions:
Complement component C1s deficiency. Also called: C1s deficiency; Complement 1s deficiency. Identifiers: MedGen C3151078, MONDO:0013419, OMIM 613783.

Submission:

Women's Health and Genetics/Laboratory Corporation of America, LabCorp
Classification: Pathogenic for Complement component C1s deficiency. Last evaluated: 2026-04-29. Review status: criteria provided, single submitter. Criteria: LabCorp Variant Classification Summary - May 2015. Collection method: clinical testing. Allele origin: germline.
Comment: Variant summary: The variant involves the deletion of exons 2-12 in the C1S gene. A presumed nomenclature of c.(-75+1_-74-1)_(*382_?)del has been designated for the purposes of this classification. This variant is predicted to remove the initiation codon and result in an absence of protein or a truncation of the encoded protein due to translation initiation at a downstream site. The variant was absent in 21694 control chromosomes. To our knowledge, no occurrence of c.(-75+1_-74-1)_(*382_?)del in individuals affected with C1S-related conditions and no experimental evidence demonstrating its impact on protein function have been reported. No submitters have cited clinical-significance assessments for this variant to ClinVar. Based on the evidence outlined above, the variant was classified as pathogenic.

NC_000012.11:g.(7168182_7169142)_(7178337_?)del

Gene: C1S (complement C1s; plus strand). Cytogenetic location: 12p13.31.
Variant type: Deletion.
Identifiers: ClinVar variation 4849179 (VCV004849179.1).